The following is an entry in ClinVar:

ClinVar aggregate classification (germline): Uncertain significance (1 of 4 stars; one submission).

Conditions:
Myoclonic dystonia 11 (DYT11). Also called: DYT-SGCE; Myoclonic dystonia; Dystonia 11; Dystonia, alcohol responsive; Hereditary essential myoclonus; SGCE Myoclonus-Dystonia. Identifiers: Orphanet 36899, MedGen C1834570, MONDO:0008044, OMIM 159900.

Submission:

Labcorp Genetics (formerly Invitae), Labcorp
Classification: Uncertain significance for Myoclonic dystonia 11. Last evaluated: 2022-07-12. Review status: criteria provided, single submitter. Criteria: Invitae Variant Classification Sherloc (09022015). Collection method: clinical testing. Allele origin: germline.
Comment: Algorithms developed to predict the effect of sequence changes on RNA splicing suggest that this variant may create or strengthen a splice site. This sequence change replaces valine, which is neutral and non-polar, with leucine, which is neutral and non-polar, at codon 224 of the SGCE protein (p.Val224Leu). This variant is not present in population databases (gnomAD no frequency). This missense change has been observed in individual(s) with clinical features of SGCE-related conditions (Invitae). ClinVar contains an entry for this variant (Variation ID: 532783). Algorithms developed to predict the effect of missense changes on protein structure and function are either unavailable or do not agree on the potential impact of this missense change (SIFT: "Deleterious"; PolyPhen-2: "Possibly Damaging"; Align-GVGD: "Class C0"). In summary, the available evidence is currently insufficient to determine the role of this variant in disease. Therefore, it has been classified as a Variant of Uncertain Significance.

NM_003919.3(SGCE):c.670G>C (p.Val224Leu)

Genes: CASD1 (CAS1 domain sialic acid O acetyltransferase 1; plus strand), SGCE (sarcoglycan epsilon; minus strand). Cytogenetic location: 7q21.3.
Variant type: single nucleotide variant.
Coding change: c.670G>C on transcript NM_003919.3 (MANE Select); coding-DNA position 670, G replaced by C.
Protein change: p.Val224Leu; replaces valine 224 with leucine.
Molecular consequence: missense variant.
Genome position (GRCh38, 1-based): chr7:94,603,445, C>G on the plus strand (G>C on the coding strand, the complement: SGCE is on the minus strand). VCF-style: chr7-94603445-C-G. GRCh37 (hg19) VCF-style: chr7-94232757-C-G.
Other names: c.670G>C, p.Val224Leu (NM_001099400.2, NM_001099401.2, NM_001346717.2); c.547G>C, p.Val183Leu (NM_001301139.2, NM_001362809.2); c.778G>C, p.Val260Leu (NM_001346713.2, NM_001346715.2); c.583G>C, p.Val195Leu (NM_001346719.2, NM_001362807.2); c.397G>C, p.Val133Leu (NM_001346720.2, NM_001362808.2); short protein forms V224L, V195L, V260L, V133L, V183L.
Identifiers: ClinVar variation 532783 (VCV000532783.8), dbSNP rs374149816, ClinGen allele CA368232466.